The following is an entry in ClinVar:

NM_001077525.3(MTMR14):c.727A>G (p.Thr243Ala)

Gene: MTMR14 (myotubularin related protein 14; plus strand). Cytogenetic location: 3p25.3.
Variant type: single nucleotide variant.
Coding change: c.727A>G on transcript NM_001077525.3 (MANE Select); coding-DNA position 727, A replaced by G.
Protein change: p.Thr243Ala; replaces threonine 243 with alanine.
Molecular consequence: missense variant.
Genome position (GRCh38, 1-based): chr3:9,672,734, A>G. VCF-style: chr3-9672734-A-G. GRCh37 (hg19) VCF-style: chr3-9714418-A-G.
Other names: c.727A>G (NM_022485.4); c.727A>G, p.Thr243Ala (NM_001077526.3, NM_022485.5); short protein forms T243A.
Identifiers: ClinVar variation 377092 (VCV000377092.56), dbSNP rs201904466, ClinGen allele CA2240422.
Genomic context (GRCh38, chr3:9,672,734, plus strand): 5'-TTGTCTTGTAGTGTAACCTCCTCTGAGAAGGTGGACAAAGCCCAGCGCTATGCCGACTTC[A>G]CTCTCCTCTCCATCCCGTATCCAGGTAGGGGGCTCTCTTCTAGTGGCAGGCATCCTAGGA-3'
Protein context (NP_001070993.1, residues 233-253): VDKAQRYADF[Thr243Ala]LLSIPYPGCE

ClinVar aggregate classification (germline): Conflicting classifications of pathogenicity. Review status: criteria provided, conflicting classifications (1 of 4 stars). 6 submissions from 6 submitters: Uncertain significance (5); Likely benign (1). Last evaluated 2026-01-08.

Conditions:
MTMR14-related disorder. Also called: MTMR14-related condition.

Allele frequency attached by ClinVar (database versions not stated): ESP Exome Variant Server 0.00016; ExAC 0.00021; gnomAD exomes 0.00024 and 0.00055; gnomAD 0.00034 and 0.00040; TOPMed 0.00034.
gnomAD v4.1: 846 of 1,613,790 alleles (0.052%); highest among the groups gnomAD compares: Non-Finnish European, 0.069%; no homozygotes.

Submissions (6):

Labcorp Genetics (formerly Invitae), Labcorp
Classification: Uncertain significance. Last evaluated: 2026-01-08. Review status: criteria provided, single submitter. Criteria: Invitae Variant Classification Sherloc (09022015). Collection method: clinical testing. Allele origin: germline.
Comment: This sequence change replaces threonine, which is neutral and polar, with alanine, which is neutral and non-polar, at codon 243 of the MTMR14 protein (p.Thr243Ala). This variant is present in population databases (rs201904466, gnomAD 0.05%), and has an allele count higher than expected for a pathogenic variant. This variant has not been reported in the literature in individuals affected with MTMR14-related conditions. ClinVar contains an entry for this variant (Variation ID: 377092). Invitae Evidence Modeling of protein sequence and biophysical properties (such as structural, functional, and spatial information, amino acid conservation, physicochemical variation, residue mobility, and thermodynamic stability) indicates that this missense variant is not expected to disrupt MTMR14 protein function with a negative predictive value of 80%. In summary, the available evidence is currently insufficient to determine the role of this variant in disease. Therefore, it has been classified as a Variant of Uncertain Significance.

PreventionGenetics, part of Exact Sciences
Classification: Likely benign for MTMR14-related condition. Last evaluated: 2025-09-26. Review status: criteria provided, single submitter. Criteria: ACMG Guidelines, 2015. Collection method: clinical testing. Allele origin: germline.
Comment: This variant is classified as likely benign based on ACMG/AMP sequence variant interpretation guidelines (Richards et al. 2015 PMID: 25741868, with internal and published modifications).

Ambry Genetics
Classification: Uncertain significance. Last evaluated: 2024-09-03. Review status: criteria provided, single submitter. Criteria: Ambry Variant Classification Scheme 2023. Collection method: clinical testing. Allele origin: germline.

Revvity Omics, Revvity
Classification: Uncertain significance. Last evaluated: 2019-11-02. Review status: criteria provided, single submitter. Criteria: ACMG Guidelines, 2015. Collection method: clinical testing. Allele origin: germline.

Center for Pediatric Genomic Medicine, Children's Mercy Hospital and Clinics
Classification: Uncertain significance. Last evaluated: 2017-01-05. Review status: criteria provided, single submitter. Criteria: ACMG Guidelines, 2015. Collection method: clinical testing. Allele origin: germline.
ClinVar note: Converted during submission from Uncertain Significance to Uncertain significance.

CeGaT Center for Human Genetics Tuebingen
Classification: Uncertain significance. Last evaluated: 2016-11-01. Review status: criteria provided, single submitter. Criteria: CeGaT Center For Human Genetics Tuebingen Variant Classification Criteria Version 2. Collection method: clinical testing. Allele origin: germline. Affected: yes. Observed: 1 variant allele.